The following is an entry in ClinVar:

ClinVar aggregate classification (germline): Uncertain significance. Review status: criteria provided, multiple submitters, no conflicts (2 of 4 stars). 2 submissions from 2 submitters: Uncertain significance (2). Last evaluated 2025-11-17.

Conditions:
Gastrointestinal stromal tumor. Also called: Gastrointestinal stromal tumor, somatic; Gastrointestinal stroma tumor. Identifiers: Orphanet 44890, MedGen C0238198, MeSH D046152, MONDO:0011719, OMIM 606764, HP:0100723.
Hereditary cancer-predisposing syndrome. Also called: Neoplastic Syndromes, Hereditary; Tumor predisposition; Hereditary Cancer Syndrome; Hereditary neoplastic syndrome. Identifiers: Orphanet 140162, MedGen C0027672, MeSH D009386, MONDO:0015356.

Submissions (2):

Labcorp Genetics (formerly Invitae), Labcorp
Classification: Uncertain significance for Gastrointestinal stromal tumor. Last evaluated: 2025-11-17. Review status: criteria provided, single submitter. Criteria: Invitae Variant Classification Sherloc (09022015). Collection method: clinical testing. Allele origin: germline.
Comment: This sequence change replaces asparagine, which is neutral and polar, with threonine, which is neutral and polar, at codon 822 of the KIT protein (p.Asn822Thr). This variant is not present in population databases (gnomAD no frequency). This variant has not been reported in the literature in individuals affected with KIT-related conditions. ClinVar contains an entry for this variant (Variation ID: 3864521). An algorithm developed to predict the effect of missense changes on protein structure and function (PolyPhen-2) suggests that this variant is likely to be disruptive. This variant disrupts the p.Asn822 amino acid residue in KIT. Other variant(s) that disrupt this residue have been determined to be pathogenic (PMID: 15790786, 17699867, 20890793, 21262832; internal data). This suggests that this residue is clinically significant, and that variants that disrupt this residue are likely to be disease-causing. In summary, the available evidence is currently insufficient to determine the role of this variant in disease. Therefore, it has been classified as a Variant of Uncertain Significance.

Ambry Genetics
Classification: Uncertain significance for Hereditary cancer-predisposing syndrome. Last evaluated: 2025-01-31. Review status: criteria provided, single submitter. Criteria: Ambry Variant Classification Scheme 2023. Collection method: clinical testing. Allele origin: germline.
Comment: The p.N822T variant (also known as c.2465A>C), located in coding exon 17 of the KIT gene, results from an A to C substitution at nucleotide position 2465. The asparagine at codon 822 is replaced by threonine, an amino acid with similar properties. This amino acid position is highly conserved in available vertebrate species. In addition, the in silico prediction for this alteration is inconclusive. Based on the available evidence, the clinical significance of this variant remains unclear.

Literature cited by the submitters: PubMed 15790786 (cited by Labcorp Genetics (formerly Invitae), Labcorp); PubMed 17699867 (cited by Labcorp Genetics (formerly Invitae), Labcorp); PubMed 20890793 (cited by Labcorp Genetics (formerly Invitae), Labcorp); PubMed 21262832 (cited by Labcorp Genetics (formerly Invitae), Labcorp).

NM_000222.3(KIT):c.2465A>C (p.Asn822Thr)

Gene: KIT (KIT proto-oncogene, receptor tyrosine kinase; plus strand). Cytogenetic location: 4q12.
Variant type: single nucleotide variant.
Coding change: c.2465A>C on transcript NM_000222.3 (MANE Select); coding-DNA position 2465, A replaced by C.
Protein change: p.Asn822Thr; replaces asparagine 822 with threonine.
Molecular consequence: missense variant.
Genome position (GRCh38, 1-based): chr4:54,733,173, A>C. VCF-style: chr4-54733173-A-C. GRCh37 (hg19) VCF-style: chr4-55599339-A-C.
Other names: c.2453A>C, p.Asn818Thr (NM_001093772.2, NM_001385292.1); c.2468A>C, p.Asn823Thr (NM_001385284.1); c.2462A>C, p.Asn821Thr (NM_001385285.1); c.2450A>C, p.Asn817Thr (NM_001385286.1); c.2456A>C, p.Asn819Thr (NM_001385288.1); c.2465A>C, p.Asn822Thr (NM_001385290.1); short protein forms N817T, N818T, N819T, N821T, N822T, N823T.
Identifiers: ClinVar variation 3864521 (VCV003864521.2).